The following is an entry in ClinVar:

NM_032043.3(BRIP1):c.506A>C (p.Gln169Pro)

Gene: BRIP1 (BRCA1 interacting DNA helicase 1; minus strand). Cytogenetic location: 17q23.2.
Variant type: single nucleotide variant.
Coding change: c.506A>C on transcript NM_032043.3 (MANE Select); coding-DNA position 506, A replaced by C.
Protein change: p.Gln169Pro; replaces glutamine 169 with proline.
Molecular consequence: missense variant.
Genome position (GRCh38, 1-based): chr17:61,849,130, T>G on the plus strand (A>C on the coding strand, the complement: BRIP1 is on the minus strand). VCF-style: chr17-61849130-T-G. GRCh37 (hg19) VCF-style: chr17-59926491-T-G.
Other names: short protein forms Q169P.
Identifiers: ClinVar variation 1023803 (VCV001023803.9), dbSNP rs2078776978, ClinGen allele CA400484348.
Genomic context (GRCh38, chr17:61,849,130, plus strand): 5'-TGACTACCATGTTCAGCTGTAACTAACTGGGTTATTTACTGCCAATAAACTCTGTTTACC[T>G]GCTGTGTAGTTTCTAAGGGTCGAATTCTTTTCTTCTCTACTTGAAAATCATCATTTTCAT-3'
Protein context (NP_114432.2, residues 159-179): KRIRPLETTQ[Gln169Pro]IRKRHCFGTE

ClinVar aggregate classification (germline): Uncertain significance (1 of 4 stars; one submission).

Conditions:
Fanconi anemia complementation group J. Also called: BRIP1-Related Fanconi Anemia. Identifiers: Orphanet 84, MedGen C1836860, MONDO:0012187, OMIM 609054.
Familial cancer of breast. Also called: BREAST CANCER, FAMILIAL; hereditary breast carcinoma; Hereditary breast cancer. Identifiers: Orphanet 227535, MedGen C0346153, MONDO:0016419, OMIM 114480. Disease mechanism: loss of function.

Submission:

Labcorp Genetics (formerly Invitae), Labcorp
Classification: Uncertain significance for Familial cancer of breast; Fanconi anemia complementation group J. Last evaluated: 2020-06-07. Review status: criteria provided, single submitter. Criteria: Invitae Variant Classification Sherloc (09022015). Collection method: clinical testing. Allele origin: germline.
Comment: Algorithms developed to predict the effect of missense changes on protein structure and function are either unavailable or do not agree on the potential impact of this missense change (SIFT: "Tolerated"; PolyPhen-2: "Possibly Damaging"; Align-GVGD: "Class C0"). Algorithms developed to predict the effect of sequence changes on RNA splicing suggest that this variant may disrupt the consensus splice site, but this prediction has not been confirmed by published transcriptional studies. In summary, the available evidence is currently insufficient to determine the role of this variant in disease. Therefore, it has been classified as a Variant of Uncertain Significance. This variant has not been reported in the literature in individuals with BRIP1-related conditions. This sequence change replaces glutamine with proline at codon 169 of the BRIP1 protein (p.Gln169Pro). The glutamine residue is moderately conserved and there is a moderate physicochemical difference between glutamine and proline. This variant is not present in population databases (ExAC no frequency).